The following is an entry in ClinVar:

NM_000388.4(CASR):c.1970C>A (p.Ser657Tyr)

Gene: CASR (calcium sensing receptor; plus strand). Cytogenetic location: 3q21.1.
Variant type: single nucleotide variant.
Coding change: c.1970C>A on transcript NM_000388.4 (MANE Select); coding-DNA position 1970, C replaced by A.
Protein change: p.Ser657Tyr; replaces serine 657 with tyrosine.
Molecular consequence: missense variant.
Genome position (GRCh38, 1-based): chr3:122,283,924, C>A. VCF-style: chr3-122283924-C-A. GRCh37 (hg19) VCF-style: chr3-122002771-C-A.
Other names: p.Ser657Tyr; c.2000C>A, p.Ser667Tyr (NM_001178065.2); short protein forms S657Y, S667Y.
Identifiers: ClinVar variation 2683643 (VCV002683643.1), dbSNP rs2473277214, ClinGen allele CA354158205.

ClinVar aggregate classification (germline): Likely pathogenic (1 of 4 stars; one submission).

Submission:

Mayo Clinic Laboratories, Mayo Clinic
Classification: Likely pathogenic. Last evaluated: 2023-05-17. Review status: criteria provided, single submitter. Criteria: ACMG Guidelines, 2015. Collection method: clinical testing. Allele origin: germline. Observed: 1 variant allele.
Comment: PP2, PP3, PM2_supporting, PS3

Literature cited by the submitters: PubMed 19389809; PubMed 22798347; PubMed 23372019; PubMed 30052933; PubMed 8636323.